The following is an entry in ClinVar:

ClinVar aggregate classification (germline): Benign/Likely benign. Review status: criteria provided, multiple submitters, no conflicts (2 of 4 stars). 3 submissions from 3 submitters: Benign (1); Likely benign (2). Last evaluated 2026-08-01.

Conditions:
Hereditary nonpolyposis colorectal neoplasms. Identifiers: MedGen C0009405, MeSH D003123.
Hereditary cancer-predisposing syndrome. Also called: Tumor predisposition; Hereditary Cancer Syndrome; Neoplastic Syndromes, Hereditary; Hereditary neoplastic syndrome. Identifiers: Orphanet 140162, MedGen C0027672, MeSH D009386, MONDO:0015356.
Lynch syndrome 4 (LYNCH4). Also called: Colorectal cancer, hereditary nonpolyposis, type 4; Hereditary non-polyposis colorectal cancer, type 4. Identifiers: Orphanet 144, MedGen C1838333, MONDO:0013699, OMIM 614337. Disease mechanism: loss of function.

gnomAD v4.1: 1 of 1,613,664 alleles (0.000062%); highest among the groups gnomAD compares: South Asian, 0.0011%; no homozygotes.

Submissions (3):

Ambry Genetics
Classification: Likely benign for Hereditary cancer-predisposing syndrome. Last evaluated: 2026-08-01. Review status: criteria provided, single submitter. Criteria: Ambry Variant Classification Scheme 2023. Collection method: clinical testing. Allele origin: germline.

Myriad Genetics, Inc.
Classification: Benign for Lynch syndrome 4. Last evaluated: 2025-01-30. Review status: criteria provided, single submitter. Criteria: Myriad Autosomal Dominant, Autosomal Recessive and X-Linked Classification Criteria (2023). Collection method: clinical testing. Allele origin: unknown.
Comment: This variant is considered benign. This variant is a silent/synonymous amino acid change and it is not expected to impact splicing.

Labcorp Genetics (formerly Invitae), Labcorp
Classification: Likely benign for Hereditary nonpolyposis colorectal neoplasms. Last evaluated: 2022-02-08. Review status: criteria provided, single submitter. Criteria: Invitae Variant Classification Sherloc (09022015). Collection method: clinical testing. Allele origin: germline.

NM_000535.7(PMS2):c.1209C>A (p.Ser403=)

Gene: PMS2 (PMS1 homolog 2, mismatch repair system component; minus strand). Cytogenetic location: 7p22.1.
Variant type: single nucleotide variant.
Coding change: c.1209C>A on transcript NM_000535.7 (MANE Select); coding-DNA position 1209, C replaced by A.
Protein change: p.Ser403=; no amino-acid change (serine 403 retained).
Molecular consequence: synonymous variant. On other transcripts: non-coding transcript variant (1).
Genome position (GRCh38, 1-based): chr7:5,987,556, G>T on the plus strand (C>A on the coding strand, the complement: PMS2 is on the minus strand). VCF-style: chr7-5987556-G-T. GRCh37 (hg19) VCF-style: chr7-6027187-G-T.
Other names: c.804C>A, p.Ser268= (NM_001322004.2, NM_001322005.2, NM_001322009.2 and 1 more transcripts); c.1053C>A, p.Ser351= (NM_001322006.2); c.891C>A, p.Ser297= (NM_001322007.2, NM_001322008.2); c.648C>A, p.Ser216= (NM_001322010.2); c.276C>A, p.Ser92= (NM_001322011.2, NM_001322012.2); c.636C>A, p.Ser212= (NM_001322013.2); c.1209C>A, p.Ser403= (NM_001322014.2); c.900C>A, p.Ser300= (NM_001322015.2).
Identifiers: ClinVar variation 751653 (VCV000751653.12), dbSNP rs147399413, ClinGen allele CA042533.